The following is an entry in ClinVar:

ClinVar aggregate classification (germline): Likely benign (1 of 4 stars; one submission).

Conditions:
NBEAL2-related disorder. Also called: NBEAL2-related condition.

Submission:

PreventionGenetics, part of Exact Sciences
Classification: Likely benign for NBEAL2-related condition. Last evaluated: 2026-09-03. Review status: criteria provided, single submitter. Criteria: ACMG Guidelines, 2015. Collection method: clinical testing. Allele origin: germline.
Comment: This variant is classified as likely benign based on ACMG/AMP sequence variant interpretation guidelines (Richards et al. 2015 PMID: 25741868, with internal and published modifications).

NM_015175.3(NBEAL2):c.51+47del

Genes: NBEAL2 (neurobeachin like 2; plus strand), CCDC12 (coiled-coil domain containing 12; minus strand). Cytogenetic location: 3p21.31.
Variant type: Deletion.
Coding change: c.51+47del on transcript NM_015175.3 (MANE Select); 47 bases into the intron after coding-DNA position 51, one base deleted (C; older notation c.51+47delC).
Molecular consequence: intron variant.
Genome position (GRCh38, 1-based): chr3:46,979,959, C deleted; the last of 5 consecutive C bases (chr3:46,979,955-46,979,959); deleting any one gives the same sequence. VCF-style (leftmost placement, unchanged base first): chr3-46979954-GC-G. GRCh37 (hg19) VCF-style: chr3-47021444-GC-G.
Other names: c.-73+1977del (NM_144716.6).
Identifiers: ClinVar variation 4979143 (VCV004979143.1).